The following is an entry in ClinVar:

ClinVar aggregate classification (germline): Uncertain significance (1 of 4 stars; one submission).

Allele frequency attached by ClinVar (database versions not stated): gnomAD 0.00005 and 0.00006; ExAC 0.00008; ESP Exome Variant Server 0.00008; TOPMed 0.00008; gnomAD exomes 0.00017.
gnomAD v4.1: 231 of 1,485,054 alleles (0.016%); highest among the groups gnomAD compares: Non-Finnish European, 0.02%; no homozygotes.

Submission:

Labcorp Genetics (formerly Invitae), Labcorp
Classification: Uncertain significance. Last evaluated: 2022-07-18. Review status: criteria provided, single submitter. Criteria: Invitae Variant Classification Sherloc (09022015). Collection method: clinical testing. Allele origin: germline.
Comment: This sequence change replaces alanine, which is neutral and non-polar, with threonine, which is neutral and polar, at codon 23 of the NAXD protein (p.Ala23Thr). In summary, the available evidence is currently insufficient to determine the role of this variant in disease. Therefore, it has been classified as a Variant of Uncertain Significance. Algorithms developed to predict the effect of missense changes on protein structure and function are either unavailable or do not agree on the potential impact of this missense change (SIFT: "Tolerated"; PolyPhen-2: "Not Available"; Align-GVGD: "Class C0"). ClinVar contains an entry for this variant (Variation ID: 1501052). This variant has not been reported in the literature in individuals affected with NAXD-related conditions. The frequency data for this variant in the population databases is considered unreliable, as metrics indicate poor data quality at this position in the gnomAD database.

NM_001242882.2(NAXD):c.46+94G>A

Genes: NAXD (NAD(P)HX dehydratase; plus strand), NAXD-AS1 (NAXD antisense RNA 1; minus strand). Cytogenetic location: 13q34.
Variant type: single nucleotide variant.
Coding change: c.46+94G>A on transcript NM_001242882.2 (MANE Select); 94 bases into the intron after coding-DNA position 46, G replaced by A.
Molecular consequence: intron variant. On other transcripts: missense variant (2).
Genome position (GRCh38, 1-based): chr13:110,615,741, G>A. VCF-style: chr13-110615741-G-A. GRCh37 (hg19) VCF-style: chr13-111268088-G-A.
Other names: c.67G>A, p.Ala23Thr (NM_001242881.2, NM_018210.4); c.56+94G>A (NM_001242883.2); short protein forms A23T.
Identifiers: ClinVar variation 1501052 (VCV001501052.6), dbSNP rs372896815, ClinGen allele CA7051007.